The following is an entry in ClinVar:

ClinVar aggregate classification (germline): Uncertain significance (1 of 4 stars; one submission).

Conditions:
Fanconi anemia (FA). Also called: Fanconi's anemia. Identifiers: Orphanet 84, MedGen C0015625, MeSH D005199, MONDO:0019391.

Allele frequency attached by ClinVar (database versions not stated): gnomAD 0.00001.
gnomAD v4.1: 1 of 1,614,030 alleles (0.000062%); highest among the groups gnomAD compares: Non-Finnish European, 0.000085%; no homozygotes.

Submission:

Labcorp Genetics (formerly Invitae), Labcorp
Classification: Uncertain significance for Fanconi anemia. Last evaluated: 2021-03-13. Review status: criteria provided, single submitter. Criteria: Invitae Variant Classification Sherloc (09022015). Collection method: clinical testing. Allele origin: germline.
Comment: This variant has not been reported in the literature in individuals with FANCF-related conditions. This variant is not present in population databases (ExAC no frequency). This sequence change replaces leucine with phenylalanine at codon 354 of the FANCF protein (p.Leu354Phe). The leucine residue is highly conserved and there is a small physicochemical difference between leucine and phenylalanine. Algorithms developed to predict the effect of missense changes on protein structure and function are either unavailable or do not agree on the potential impact of this missense change (SIFT: "Deleterious"; PolyPhen-2: "Probably Damaging"; Align-GVGD: "Class C0"). In summary, the available evidence is currently insufficient to determine the role of this variant in disease. Therefore, it has been classified as a Variant of Uncertain Significance.

NM_022725.4(FANCF):c.1060C>T (p.Leu354Phe)

Genes: FANCF (FA complementation group F; minus strand), LOC130005443 (ATAC-STARR-seq lymphoblastoid active region 4533; plus strand). Cytogenetic location: 11p14.3.
Variant type: single nucleotide variant.
Coding change: c.1060C>T on transcript NM_022725.4 (MANE Select); coding-DNA position 1060, C replaced by T.
Protein change: p.Leu354Phe; replaces leucine 354 with phenylalanine.
Molecular consequence: missense variant.
Genome position (GRCh38, 1-based): chr11:22,624,751, G>A on the plus strand (C>T on the coding strand, the complement: FANCF is on the minus strand). VCF-style: chr11-22624751-G-A. GRCh37 (hg19) VCF-style: chr11-22646297-G-A.
Other names: short protein forms L354F.
Identifiers: ClinVar variation 1505132 (VCV001505132.8), dbSNP rs1858614394, ClinGen allele CA380057760.
Genomic context (GRCh38, chr11:22,624,751, plus strand): 5'-CAGAACTGAGGCCTGCGCTGAGACCCAAAACTTGTCTTTTCCTAAATGCACCACTACGAA[G>A]AGCTAATAAGAGGTCTGTCCAGATGCTAAGACCAGGTACTTCAAAATCTCCATCCTGCGC-3'
Protein context (NP_073562.1, residues 344-364): LSIWTDLLLA[Leu354Phe]RSGAFRKRQV